The following is an entry in ClinVar:

ClinVar aggregate classification (germline): Uncertain significance (1 of 4 stars; one submission).

Conditions:
Developmental and epileptic encephalopathy, 42 (DEE42A). Also called: Epileptic encephalopathy, early infantile, 42; DEVELOPMENTAL AND EPILEPTIC ENCEPHALOPATHY 42A; EPILEPTIC ENCEPHALOPATHY, EARLY INFANTILE, 42A. Identifiers: MedGen C4310716, MONDO:0014917, OMIM 617106.
Episodic ataxia type 2 (EA2). Also called: ACETAZOLAMIDE-RESPONSIVE HEREDITARY PAROXYSMAL CEREBELLAR ATAXIA; ATAXIA, EPISODIC, WITH NYSTAGMUS; ATAXIA, FAMILIAL PAROXYSMAL; CEREBELLAR ATAXIA, PAROXYSMAL, ACETAZOLAMIDE-RESPONSIVE; CEREBELLOPATHY, HEREDITARY PAROXYSMAL; EPISODIC ATAXIA, NYSTAGMUS-ASSOCIATED. Identifiers: Orphanet 97, MedGen C1720416, MONDO:0007163, OMIM 108500.

Allele frequency attached by ClinVar (database versions not stated): gnomAD exomes below 0.00001.
gnomAD v4.1: 1 of 1,563,142 alleles (0.000064%); highest among the groups gnomAD compares: Non-Finnish European, 0.000087%; no homozygotes.

Submission:

Labcorp Genetics (formerly Invitae), Labcorp
Classification: Uncertain significance for Developmental and epileptic encephalopathy, 42; Episodic ataxia type 2. Last evaluated: 2023-06-11. Review status: criteria provided, single submitter. Criteria: Invitae Variant Classification Sherloc (09022015). Collection method: clinical testing. Allele origin: germline.
Comment: In summary, the available evidence is currently insufficient to determine the role of this variant in disease. Therefore, it has been classified as a Variant of Uncertain Significance. Variants that disrupt the consensus splice site are a relatively common cause of aberrant splicing (PMID: 17576681, 9536098). Algorithms developed to predict the effect of sequence changes on RNA splicing suggest that this variant may create or strengthen a splice site. ClinVar contains an entry for this variant (Variation ID: 1004586). This variant has not been reported in the literature in individuals affected with CACNA1A-related conditions. This variant is not present in population databases (gnomAD no frequency). This sequence change falls in intron 44 of the CACNA1A gene. It does not directly change the encoded amino acid sequence of the CACNA1A protein. It affects a nucleotide within the consensus splice site.

Literature cited by the submitters: PubMed 17576681; PubMed 9536098.

NM_001127222.2(CACNA1A):c.6339+4T>C

Gene: CACNA1A (calcium voltage-gated channel subunit alpha1 A; minus strand). Cytogenetic location: 19p13.13.
Variant type: single nucleotide variant.
Coding change: c.6339+4T>C on transcript NM_001127222.2 (MANE Select); 4 bases into the intron after coding-DNA position 6339, T replaced by C.
Molecular consequence: intron variant.
Genome position (GRCh38, 1-based): chr19:13,210,613, A>G on the plus strand (T>C on the coding strand, the complement: CACNA1A is on the minus strand). VCF-style: chr19-13210613-A-G. GRCh37 (hg19) VCF-style: chr19-13321427-A-G.
Other names: c.6342+4T>C (NM_001127221.2); c.6348+4T>C (NM_001174080.2); c.6357+4T>C (NM_000068.4, NM_023035.3).
Identifiers: ClinVar variation 1004586 (VCV001004586.7), dbSNP rs2054775532, ClinGen allele CA645615507.
Genomic context (GRCh38, chr19:13,210,613, plus strand): 5'-AGGGGGGGTGGGGAGGAAGAGGGGGCCGGAGCCCTGCTGGGCGCTGGGCAGGCGCGGTAC[A>G]TACACTGAGGTTATTCCCACGTGGCCGGCCCCTTCTCCTCTGTCACAGCCCCATGGGATG-3'